The following is an entry in ClinVar:

ClinVar aggregate classification (germline): Uncertain significance (1 of 4 stars; one submission).

Conditions:
Inborn genetic diseases. Identifiers: MedGen C0950123, MeSH D030342.

Allele frequency attached by ClinVar (database versions not stated): gnomAD exomes below 0.00001.
gnomAD v4.1: 1 of 1,612,888 alleles (0.000062%); highest among the groups gnomAD compares: Non-Finnish European, 0.000085%; no homozygotes.

Submission:

Ambry Genetics
Classification: Uncertain significance for Inborn genetic diseases. Last evaluated: 2021-11-04. Review status: criteria provided, single submitter. Criteria: Ambry Variant Classification Scheme 2023. Collection method: clinical testing. Allele origin: germline.
Comment: The p.H856Y variant (also known as c.2566C>T), located in coding exon 12 of the ATR gene, results from a C to T substitution at nucleotide position 2566. The histidine at codon 856 is replaced by tyrosine, an amino acid with similar properties. This amino acid position is conserved. In addition, this alteration is predicted to be tolerated by in silico analysis. Since supporting evidence is limited at this time, the clinical significance of this alteration remains unclear.

NM_001184.4(ATR):c.2566C>T (p.His856Tyr)

Gene: ATR (ATR checkpoint kinase; minus strand). Cytogenetic location: 3q23.
Variant type: single nucleotide variant.
Coding change: c.2566C>T on transcript NM_001184.4 (MANE Select); coding-DNA position 2566, C replaced by T.
Protein change: p.His856Tyr; replaces histidine 856 with tyrosine.
Molecular consequence: missense variant.
Genome position (GRCh38, 1-based): chr3:142,553,707, G>A on the plus strand (C>T on the coding strand, the complement: ATR is on the minus strand). VCF-style: chr3-142553707-G-A. GRCh37 (hg19) VCF-style: chr3-142272549-G-A.
Other names: c.2374C>T, p.His792Tyr (NM_001354579.2); short protein forms H856Y, H792Y.
Identifiers: ClinVar variation 1793173 (VCV001793173.2), dbSNP rs2034561755, ClinGen allele CA354815659.
Genomic context (GRCh38, chr3:142,553,707, plus strand): 5'-TATCCCCTGTTGTAAGAATCAAGGTATCCTTCAGCTCATTATTTCTTGATATTTGGGCAT[G>A]TGTATATGCTTCCTTCATTCTTAAGACAAAAAGCTAGAACAATAAAATTAACTGGTTAAA-3'
Protein context (NP_001175.2, residues 846-866): FVLRMKEAYT[His856Tyr]AQISRNNELK